The following is an entry in ClinVar:

ClinVar aggregate classification (germline): Pathogenic. Review status: reviewed by expert panel (3 of 4 stars). 3 submissions from 3 submitters: Pathogenic (1). 2 of the submissions do not count toward it. Last evaluated 2016-10-18.

Conditions:
Breast-ovarian cancer, familial, susceptibility to, 2 (BROVCA2). Also called: BRCA2 Hereditary Breast and Ovarian Cancer. Identifiers: Orphanet 145, MedGen C2675520, MONDO:0012933, OMIM 612555. Disease mechanism: loss of function.

Submissions (3):

Evidence-based Network for the Interpretation of Germline Mutant Alleles (ENIGMA)
Classification: Pathogenic for Breast-ovarian cancer, familial, susceptibility to, 2. Last evaluated: 2016-10-18. Review status: reviewed by expert panel. Criteria: ENIGMA BRCA1/2 Classification Criteria (2015). Collection method: curation. Allele origin: germline.
Comment: Variant allele predicted to encode a truncated non-functional protein.

Consortium of Investigators of Modifiers of BRCA1/2 (CIMBA), c/o University of Cambridge
Classification: Pathogenic for Breast-ovarian cancer, familial, susceptibility to, 2. Last evaluated: 2015-10-02. Review status: criteria provided, single submitter. Criteria: CIMBA Mutation Classification guidelines May 2016. Collection method: clinical testing. Allele origin: germline. Not counted in ClinVar's aggregate classification.

Molecular Oncology, Hospital Universitario Central de Asturias (HUCA)
Classification: Pathogenic for Breast-ovarian cancer, familial, susceptibility to, 2. Last evaluated: 2021-05-24. Review status: no assertion criteria provided. Collection method: case-control. Allele origin: germline. Affected: yes. Not counted in ClinVar's aggregate classification.

Literature cited by the submitters: PubMed 38922859 (cited by Molecular Oncology, Hospital Universitario Central de Asturias (HUCA)).

NM_000059.4(BRCA2):c.2421dup (p.Glu808Ter)

Gene: BRCA2 (BRCA2 DNA repair associated; plus strand). Cytogenetic location: 13q13.1.
Variant type: Duplication.
Coding change: c.2421dup on transcript NM_000059.4 (MANE Select); coding-DNA position 2421, one base duplicated (T; older notation c.2421dupT).
Protein change: p.Glu808Ter; replaces glutamic acid 808 with a stop codon.
Molecular consequence: nonsense.
Genome position (GRCh38, 1-based): chr13:32,336,776, T duplicated; the last of 2 consecutive T bases (chr13:32,336,775-32,336,776); duplicating either gives the same sequence. VCF-style (leftmost placement, unchanged base first): chr13-32336774-G-GT. GRCh37 (hg19) VCF-style: chr13-32910911-G-GT.
Other names: 2649insT (Q808X); short protein forms E808*.
Identifiers: ClinVar variation 266697 (VCV000266697.6), dbSNP rs886040424, ClinGen allele CA10589153.
Genomic context (GRCh38, chr13:32,336,774, plus strand): 5'-AGAGGCAAAGAATCATACAAAATGTCAGACAAGCTCAAAGGTAACAATTATGAATCTGAT[G>GT]TTGAATTAACCAAAAATATTCCCATGGAAAAGAATCAAGATGTATGTGCTTTAAATGAAA-3'